The following is an entry in ClinVar:

ClinVar aggregate classification (germline): Conflicting classifications of pathogenicity. Review status: criteria provided, conflicting classifications (1 of 4 stars). 4 submissions from 4 submitters: Uncertain significance (3); Likely benign (1). Last evaluated 2026-01-26.

Conditions:
Renal cell carcinoma. Identifiers: Orphanet 217071, MedGen C0007134, MeSH D002292, MONDO:0005086, HP:0005584.
Hereditary cancer-predisposing syndrome. Also called: Tumor predisposition; Hereditary Cancer Syndrome; Hereditary neoplastic syndrome; Neoplastic Syndromes, Hereditary. Identifiers: Orphanet 140162, MedGen C0027672, MeSH D009386, MONDO:0015356.

Allele frequency attached by ClinVar (database versions not stated): gnomAD exomes below 0.00001; gnomAD 0.00001.
gnomAD v4.1: 2 of 1,613,438 alleles (0.00012%); highest among the groups gnomAD compares: Admixed American, 0.0017%; no homozygotes.

Submissions (4):

Labcorp Genetics (formerly Invitae), Labcorp
Classification: Uncertain significance for Renal cell carcinoma. Last evaluated: 2026-01-26. Review status: criteria provided, single submitter. Criteria: Invitae Variant Classification Sherloc (09022015). Collection method: clinical testing. Allele origin: germline.
Comment: This sequence change replaces isoleucine, which is neutral and non-polar, with valine, which is neutral and non-polar, at codon 754 of the MET protein (p.Ile754Val). This variant is present in population databases (no rsID available, gnomAD no frequency). This variant has not been reported in the literature in individuals affected with MET-related conditions. ClinVar contains an entry for this variant (Variation ID: 411900). Invitae Evidence Modeling of protein sequence and biophysical properties (such as structural, functional, and spatial information, amino acid conservation, physicochemical variation, residue mobility, and thermodynamic stability) indicates that this missense variant is not expected to disrupt MET protein function with a negative predictive value of 80%. In summary, the available evidence is currently insufficient to determine the role of this variant in disease. Therefore, it has been classified as a Variant of Uncertain Significance.

Quest Diagnostics Nichols Institute San Juan Capistrano
Classification: Uncertain significance. Last evaluated: 2025-02-05. Review status: criteria provided, single submitter. Criteria: Quest Diagnostics criteria. Collection method: clinical testing. Allele origin: unknown.

GeneDx
Classification: Uncertain significance. Last evaluated: 2024-06-18. Review status: criteria provided, single submitter. Criteria: GeneDx Variant Classification Process June 2021. Collection method: clinical testing. Allele origin: germline. Affected: yes.
Comment: Not observed at significant frequency in large population cohorts (gnomAD); In silico analysis indicates that this missense variant does not alter protein structure/function; Has not been previously published as pathogenic or benign to our knowledge

Ambry Genetics
Classification: Likely benign for Hereditary cancer-predisposing syndrome. Last evaluated: 2024-01-11. Review status: criteria provided, single submitter. Criteria: Ambry Variant Classification Scheme 2023. Collection method: clinical testing. Allele origin: germline.

NM_000245.4(MET):c.2260A>G (p.Ile754Val)

Gene: MET (MET proto-oncogene, receptor tyrosine kinase; plus strand). Cytogenetic location: 7q31.2.
Variant type: single nucleotide variant.
Coding change: c.2260A>G on transcript NM_000245.4 (MANE Select); coding-DNA position 2260, A replaced by G.
Protein change: p.Ile754Val; replaces isoleucine 754 with valine.
Molecular consequence: missense variant.
Genome position (GRCh38, 1-based): chr7:116,758,616, A>G. VCF-style: chr7-116758616-A-G. GRCh37 (hg19) VCF-style: chr7-116398670-A-G.
Other names: c.2260A>G, p.Ile754Val (NM_001127500.3, NM_001324401.3); c.970A>G, p.Ile324Val (NM_001324402.2); c.2260A>G (NM_001127500.2); short protein forms I754V, I324V.
Identifiers: ClinVar variation 411900 (VCV000411900.15), dbSNP rs1060503539, ClinGen allele CA16612259.
Genomic context (GRCh38, chr7:116,758,616, plus strand): 5'-AGCATCTTCAGTTACCGTGAAGATCCCATTGTCTATGAAATTCATCCAACCAAATCTTTT[A>G]TTAGGTAAGTAGAAGCTTCTGATGGGTATAAGAAAACAATGAATACAAGGATGATTTTGC-3'
Protein context (NP_000236.2, residues 744-764): VYEIHPTKSF[Ile754Val]SGGSTITGVG